The following is an entry in ClinVar:

ClinVar aggregate classification (germline): Uncertain significance (1 of 4 stars; one submission).

Submission:

GeneDx
Classification: Uncertain significance. Last evaluated: 2025-07-20. Review status: criteria provided, single submitter. Criteria: GeneDx Variant Classification Process June 2021. Collection method: clinical testing. Allele origin: germline. Affected: yes.
Comment: Not observed at significant frequency in large population cohorts (gnomAD); In silico analysis supports that this missense variant has a deleterious effect on protein structure/function; Has not been previously published as pathogenic or benign to our knowledge

NM_004187.5(KDM5C):c.1007A>G (p.Asp336Gly)

Gene: KDM5C (lysine demethylase 5C; minus strand). Cytogenetic location: Xp11.22.
Variant type: single nucleotide variant.
Coding change: c.1007A>G on transcript NM_004187.5 (MANE Select); coding-DNA position 1007, A replaced by G.
Protein change: p.Asp336Gly; replaces aspartic acid 336 with glycine.
Molecular consequence: missense variant. On other transcripts: non-coding transcript variant (3).
Genome position (GRCh38, 1-based): chrX:53,214,804, T>C on the plus strand (A>G on the coding strand, the complement: KDM5C is on the minus strand). VCF-style: chrX-53214804-T-C. GRCh37 (hg19) VCF-style: chrX-53243986-T-C.
Other names: c.806A>G, p.Asp269Gly (NM_001146702.2); c.1004A>G, p.Asp335Gly (NM_001282622.3, NM_001353979.2, NM_001353982.2); c.1007A>G, p.Asp336Gly (NM_001353978.3, NM_001353981.2, NM_001353984.2); short protein forms D269G, D335G, D336G.
Identifiers: ClinVar variation 4686906 (VCV004686906.1).